The following is an entry in ClinVar:

NM_000152.5(GAA):c.83G>A (p.Gly28Glu)

Gene: GAA (alpha glucosidase; plus strand). Cytogenetic location: 17q25.3.
Variant type: single nucleotide variant.
Coding change: c.83G>A on transcript NM_000152.5 (MANE Select); coding-DNA position 83, G replaced by A.
Protein change: p.Gly28Glu; replaces glycine 28 with glutamic acid.
Molecular consequence: missense variant.
Genome position (GRCh38, 1-based): chr17:80,104,669, G>A. VCF-style: chr17-80104669-G-A. GRCh37 (hg19) VCF-style: chr17-78078468-G-A.
Other names: c.83G>A, p.Gly28Glu (NM_001079803.3, NM_001079804.3, NM_001406741.1 and 1 more transcripts); short protein forms G28E.
Identifiers: ClinVar variation 3730274 (VCV003730274.3).
Genomic context (GRCh38, chr17:80,104,669, plus strand): 5'-GCTCCCACCGGCTCCTGGCCGTCTGCGCCCTCGTGTCCTTGGCAACCGCTGCACTCCTGG[G>A]GCACATCCTACTCCATGATTTCCTGCTGGTTCCCCGAGAGCTGAGTGGCTCCTCCCCAGT-3'
Protein context (NP_000143.2, residues 18-38): LVSLATAALL[Gly28Glu]HILLHDFLLV

ClinVar aggregate classification (germline): Uncertain significance. Review status: criteria provided, multiple submitters, no conflicts (2 of 4 stars). 2 submissions from 2 submitters: Uncertain significance (2). Last evaluated 2026-07-31.

Conditions:
Glycogen storage disease, type II (IOPD). Also called: Glucosidase acid-1,4-alpha deficiency; Pompe Disease; CARDIOMEGALIA GLYCOGENICA DIFFUSA; POMPE DISEASE, INFANTILE-ONSET; GLYCOGEN STORAGE DISEASE II, INFANTILE-ONSET; ACID ALPHA-GLUCOSIDASE DEFICIENCY, INFANTILE-ONSET. Identifiers: Orphanet 365, MedGen C0017921, MONDO:0009290, OMIM 232300.

gnomAD v4.1: 2 of 1,613,332 alleles (0.00012%); highest among the groups gnomAD compares: Non-Finnish European, 0.000085%; no homozygotes.

Submissions (2):

Myriad Genetics, Inc.
Classification: Uncertain significance for Glycogen storage disease, type II. Last evaluated: 2026-07-31. Review status: criteria provided, single submitter. Criteria: Myriad Autosomal Dominant, Autosomal Recessive and X-Linked Classification Criteria (2023). Collection method: clinical testing. Allele origin: unknown.
Comment: NM_000152.3(GAA):c.83G>A(G28E) is a missense variant classified as a variant of uncertain significance in the context of Pompe disease. G28E has not been observed in cases with relevant disease. Relevant functional assessments of this variant are not available in the literature. G28E has not been observed in referenced population frequency databases. In summary, there is insufficient evidence to classify NM_000152.3(GAA):c.83G>A(G28E) as pathogenic or benign. Please note: this variant was assessed in the context of healthy population screening.

Labcorp Genetics (formerly Invitae), Labcorp
Classification: Uncertain significance for Glycogen storage disease, type II. Last evaluated: 2024-12-17. Review status: criteria provided, single submitter. Criteria: Invitae Variant Classification Sherloc (09022015). Collection method: clinical testing. Allele origin: germline.
Comment: This sequence change replaces glycine, which is neutral and non-polar, with glutamic acid, which is acidic and polar, at codon 28 of the GAA protein (p.Gly28Glu). This variant is not present in population databases (gnomAD no frequency). This variant has not been reported in the literature in individuals affected with GAA-related conditions. Invitae Evidence Modeling of protein sequence and biophysical properties (such as structural, functional, and spatial information, amino acid conservation, physicochemical variation, residue mobility, and thermodynamic stability) indicates that this missense variant is not expected to disrupt GAA protein function with a negative predictive value of 95%. In summary, the available evidence is currently insufficient to determine the role of this variant in disease. Therefore, it has been classified as a Variant of Uncertain Significance.